The following is an entry in ClinVar:

ClinVar aggregate classification (germline): Uncertain significance (1 of 4 stars; one submission).

Submission:

Ambry Genetics
Classification: Uncertain significance. Last evaluated: 2023-03-25. Review status: criteria provided, single submitter. Criteria: Ambry Variant Classification Scheme 2023. Collection method: clinical testing. Allele origin: germline.
Comment: The p.N326T variant (also known as c.977A>C), located in coding exon 3 of the TERF2IP gene, results from an A to C substitution at nucleotide position 977. The asparagine at codon 326 is replaced by threonine, an amino acid with similar properties. This amino acid position is conserved. In addition, this alteration is predicted to be tolerated by in silico analysis. Since supporting evidence is limited at this time, the clinical significance of this alteration remains unclear.

NM_018975.4(TERF2IP):c.977A>C (p.Asn326Thr)

Gene: TERF2IP (TERF2 interacting protein; plus strand). Cytogenetic location: 16q23.1.
Variant type: single nucleotide variant.
Coding change: c.977A>C on transcript NM_018975.4 (MANE Select); coding-DNA position 977, A replaced by C.
Protein change: p.Asn326Thr; replaces asparagine 326 with threonine.
Molecular consequence: missense variant. On other transcripts: non-coding transcript variant (1).
Genome position (GRCh38, 1-based): chr16:75,656,388, A>C. VCF-style: chr16-75656388-A-C. GRCh37 (hg19) VCF-style: chr16-75690286-A-C.
Other names: short protein forms N326T.
Identifiers: ClinVar variation 2563448 (VCV002563448.2), dbSNP rs2082386347, ClinGen allele CA396820000.
Genomic context (GRCh38, chr16:75,656,388, plus strand): 5'-TTTCTCAACCAGAGGTGGGAGCTGCCATTAAGATCATTCGGCAGTTAATGGAGAAGTTTA[A>C]CTTGGATCTATCAACAGTTACACAGGCCTTCCTAAAAAATAGTGGTGAGCTGGAGGCTAC-3'
Protein context (NP_061848.2, residues 316-336): KIIRQLMEKF[Asn326Thr]LDLSTVTQAF